The following is an entry in ClinVar:

ClinVar aggregate classification (germline): Uncertain significance (1 of 4 stars; one submission).

Conditions:
Hereditary cancer-predisposing syndrome. Also called: Tumor predisposition; Neoplastic Syndromes, Hereditary; Hereditary neoplastic syndrome; Hereditary Cancer Syndrome. Identifiers: Orphanet 140162, MedGen C0027672, MeSH D009386, MONDO:0015356.

Submission:

Ambry Genetics
Classification: Uncertain significance for Hereditary cancer-predisposing syndrome. Last evaluated: 2025-08-27. Review status: criteria provided, single submitter. Criteria: Ambry Variant Classification Scheme 2023. Collection method: clinical testing. Allele origin: germline.
Comment: The p.P348H variant (also known as c.1043C>A), located in coding exon 12 of the MUTYH gene, results from a C to A substitution at nucleotide position 1043. The proline at codon 348 is replaced by histidine, an amino acid with similar properties. This amino acid position is conserved. In addition, the in silico prediction for this alteration is inconclusive. Based on the available evidence, the clinical significance of this variant remains unclear.

NM_001048174.2(MUTYH):c.959C>A (p.Pro320His)

Gene: MUTYH (mutY DNA glycosylase; minus strand). Cytogenetic location: 1p34.1.
Variant type: single nucleotide variant.
Coding change: c.959C>A on transcript NM_001048174.2 (MANE Select); coding-DNA position 959, C replaced by A.
Protein change: p.Pro320His; replaces proline 320 with histidine.
Molecular consequence: missense variant. On other transcripts: non-coding transcript variant (7).
Genome position (GRCh38, 1-based): chr1:45,331,804, G>T on the plus strand (C>A on the coding strand, the complement: MUTYH is on the minus strand). VCF-style: chr1-45331804-G-T. GRCh37 (hg19) VCF-style: chr1-45797476-G-T.
Other names: c.1043C>A, p.Pro348His (NM_001128425.2); c.1004C>A, p.Pro335His (NM_001293190.2); c.992C>A, p.Pro331His (NM_001293191.2, NM_001407069.1, NM_001407077.1); c.683C>A, p.Pro228His (NM_001293192.2, NM_001293196.2, NM_001407091.1); c.959C>A, p.Pro320His (NM_001293195.2, NM_001407081.1, NM_001407088.1 and 6 more transcripts); c.614C>A, p.Pro205His (NM_001350650.2, NM_001407082.1, NM_001350651.2); c.917C>A, p.Pro306His (NM_001407080.1); c.1001C>A, p.Pro334His (NM_001407083.1, NM_001407085.1); and 5 more; short protein forms P228H, P331H, P334H, P345H, P306H, P327H, P348H, P292H.
Identifiers: ClinVar variation 4112955 (VCV004112955.1).